The following is an entry in ClinVar:

NM_004370.6(COL12A1):c.6758C>G (p.Ser2253Ter)

Gene: COL12A1 (collagen type XII alpha 1 chain; minus strand). Cytogenetic location: 6q13.
Variant type: single nucleotide variant.
Coding change: c.6758C>G on transcript NM_004370.6 (MANE Select); coding-DNA position 6758, C replaced by G.
Protein change: p.Ser2253Ter; replaces serine 2253 with a stop codon.
Molecular consequence: nonsense.
Genome position (GRCh38, 1-based): chr6:75,124,061, G>C on the plus strand (C>G on the coding strand, the complement: COL12A1 is on the minus strand). VCF-style: chr6-75124061-G-C. GRCh37 (hg19) VCF-style: chr6-75833777-G-C.
Other names: c.6758C>G, p.Ser2253Ter (NM_001424113.1); c.6737C>G, p.Ser2246Ter (NM_001424114.1); c.6485C>G, p.Ser2162Ter (NM_001424115.1); c.3266C>G, p.Ser1089Ter (NM_001424116.1, NM_080645.3); short protein forms S1089*, S2162*, S2246*, S2253*.
Identifiers: ClinVar variation 4847784 (VCV004847784.1).
Genomic context (GRCh38, chr6:75,124,061, plus strand): 5'-AAAACAGTGACACCATAATCAGTGTCTGGTGAAAGGCCAGTGAAGCAGTGACTGGTTTCT[G>C]ATCCACGCACTGTAATTTCTTGTCCCCTTGTTCCTGATTATGACAACAAAGGAAAATGCC-3'

ClinVar aggregate classification (germline): Pathogenic (1 of 4 stars; one submission).

Conditions:
Ullrich congenital muscular dystrophy 2 (UCMD2). Identifiers: Orphanet 75840, MedGen C4225314, MONDO:0014654, OMIM 616470.

Submission:

Women's Health and Genetics/Laboratory Corporation of America, LabCorp
Classification: Pathogenic for Ullrich congenital muscular dystrophy 2. Last evaluated: 2026-02-16. Review status: criteria provided, single submitter. Criteria: LabCorp Variant Classification Summary - May 2015. Collection method: clinical testing. Allele origin: germline.
Comment: Variant summary: COL12A1 c.6758C>G (p.Ser2253X) results in a premature termination codon, predicted to cause a truncation of the encoded protein or absence of the protein due to nonsense mediated decay, which are commonly known mechanisms for disease. The variant was absent in 249116 control chromosomes. To our knowledge, no occurrence of c.6758C>G in individuals affected with COL12A1-related conditions and no experimental evidence demonstrating its impact on protein function have been reported. No submitters have cited clinical-significance assessments for this variant to ClinVar. Based on the evidence outlined above, the variant was classified as pathogenic.